The following is an entry in ClinVar:

ClinVar aggregate classification (germline): Uncertain significance (1 of 4 stars; one submission).

Allele frequency attached by ClinVar (database versions not stated): TOPMed below 0.00001.

Submission:

Labcorp Genetics (formerly Invitae), Labcorp
Classification: Uncertain significance. Last evaluated: 2024-02-17. Review status: criteria provided, single submitter. Criteria: Invitae Variant Classification Sherloc (09022015). Collection method: clinical testing. Allele origin: germline.
Comment: This sequence change replaces proline, which is neutral and non-polar, with alanine, which is neutral and non-polar, at codon 556 of the SH3PXD2B protein (p.Pro556Ala). This variant is not present in population databases (gnomAD no frequency). This variant has not been reported in the literature in individuals affected with SH3PXD2B-related conditions. ClinVar contains an entry for this variant (Variation ID: 1524030). An algorithm developed to predict the effect of missense changes on protein structure and function (PolyPhen-2) suggests that this variant is likely to be tolerated. In summary, the available evidence is currently insufficient to determine the role of this variant in disease. Therefore, it has been classified as a Variant of Uncertain Significance.

NM_001017995.3(SH3PXD2B):c.1666C>G (p.Pro556Ala)

Gene: SH3PXD2B (SH3 and PX domains 2B; minus strand). Cytogenetic location: 5q35.1.
Variant type: single nucleotide variant.
Coding change: c.1666C>G on transcript NM_001017995.3 (MANE Select); coding-DNA position 1666, C replaced by G.
Protein change: p.Pro556Ala; replaces proline 556 with alanine.
Molecular consequence: missense variant. On other transcripts: intron variant (1).
Genome position (GRCh38, 1-based): chr5:172,339,439, G>C on the plus strand (C>G on the coding strand, the complement: SH3PXD2B is on the minus strand). VCF-style: chr5-172339439-G-C. GRCh37 (hg19) VCF-style: chr5-171766443-G-C.
Other names: c.1188+6697C>G (NM_001308175.2); short protein forms P556A.
Identifiers: ClinVar variation 1524030 (VCV001524030.6), dbSNP rs1756793355, ClinGen allele CA362147407.